The following is an entry in ClinVar:

NM_018122.5(DARS2):c.227+1G>A

Gene: DARS2 (aspartyl-tRNA synthetase 2, mitochondrial; plus strand). Cytogenetic location: 1q25.1.
Variant type: single nucleotide variant.
Coding change: c.227+1G>A on transcript NM_018122.5 (MANE Select); the canonical splice donor site of the intron after coding-DNA position 227, G replaced by A.
Molecular consequence: splice donor variant.
Genome position (GRCh38, 1-based): chr1:173,826,787, G>A. VCF-style: chr1-173826787-G-A. GRCh37 (hg19) VCF-style: chr1-173795925-G-A.
Other names: c.227+1G>A (NM_001365212.1, NM_001365213.2).
Identifiers: ClinVar variation 4726578 (VCV004726578.1).

ClinVar aggregate classification (germline): Likely pathogenic (1 of 4 stars; one submission).

gnomAD v4.1: 2 of 1,606,802 alleles (0.00012%); highest among the groups gnomAD compares: Admixed American, 0.0017%; no homozygotes.

Submission:

Labcorp Genetics (formerly Invitae), Labcorp
Classification: Likely pathogenic. Last evaluated: 2025-09-12. Review status: criteria provided, single submitter. Criteria: Invitae Variant Classification Sherloc (09022015). Collection method: clinical testing. Allele origin: germline.
Comment: This sequence change affects a donor splice site in intron 2 of the DARS2 gene. It is expected to disrupt RNA splicing. Variants that disrupt the donor or acceptor splice site typically lead to a loss of protein function (PMID: 16199547), and loss-of-function variants in DARS2 are known to be pathogenic (PMID: 17384640, 24566671). This variant is present in population databases (rs750104755, gnomAD 0.003%). This variant has not been reported in the literature in individuals affected with DARS2-related conditions. Algorithms developed to predict the effect of sequence changes on RNA splicing suggest that this variant may disrupt the consensus splice site. In summary, the currently available evidence indicates that the variant is pathogenic, but additional data are needed to prove that conclusively. Therefore, this variant has been classified as Likely Pathogenic.

Literature cited by the submitters: PubMed 16199547; PubMed 17384640; PubMed 24566671.